The following is an entry in ClinVar:

ClinVar aggregate classification (germline): Conflicting classifications of pathogenicity. Review status: criteria provided, conflicting classifications (1 of 4 stars). 2 submissions from 2 submitters: Uncertain significance (1); Likely benign (1). Last evaluated 2024-07-20.

Conditions:
Ehlers-Danlos syndrome, type 4 (EDSVASC). Also called: Ehlers-Danlos syndrome vascular type; Ehlers Danlos syndrome, ecchymotic type; Ehlers Danlos syndrome, arterial type; Ehlers Danlos syndrome, Sack-Barabas type; Ehlers-Danlos Syndrome Type IV. Identifiers: Orphanet 286, MedGen C0268338, MONDO:0017314, OMIM 130050.

Allele frequency attached by ClinVar (database versions not stated): gnomAD exomes 0.00002 and 0.00004; gnomAD 0.00003 and 0.00004; ExAC 0.00006.
gnomAD v4.1: 37 of 1,613,850 alleles (0.0023%); highest among the groups gnomAD compares: Non-Finnish European, 0.00025%; no homozygotes.

Submissions (2):

All of Us Research Program, National Institutes of Health
Classification: Uncertain significance for Ehlers-Danlos syndrome, type 4. Last evaluated: 2024-07-20. Review status: criteria provided, single submitter. Criteria: ACMG Guidelines, 2015. Collection method: clinical testing. Allele origin: germline. Inheritance: Autosomal dominant inheritance. Observed: 1 variant allele, 1 heterozygote.
Comment: This missense variant replaces alanine with aspartic acid at codon 304 of the COL3A1 protein. Computational prediction suggests that this variant may not impact protein structure and function (internally defined REVEL score threshold <= 0.5, PMID: 27666373). To our knowledge, functional studies have not been reported for this variant. This variant has not been reported in individuals affected with COL3A1-related disorders in the literature. This variant has been identified in 13/282690 chromosomes in the general population by the Genome Aggregation Database (gnomAD). The available evidence is insufficient to determine the role of this variant in disease conclusively. Therefore, this variant is classified as a Variant of Uncertain Significance.

This study involves interpretation of variants in research participants for the purpose of population health screening. Participant phenotype was not available at the time of variant classification. Additional details can be found in publication PMID: 35346344, PMCID: PMC8962531

Blueprint Genetics
Classification: Likely benign. Last evaluated: 2018-08-16. Review status: criteria provided, single submitter. Criteria: ACMG Guidelines, 2015. Collection method: clinical testing. Allele origin: germline.

NM_000090.4(COL3A1):c.911C>A (p.Ala304Asp)

Gene: COL3A1 (collagen type III alpha 1 chain; plus strand). Cytogenetic location: 2q32.2.
Variant type: single nucleotide variant.
Coding change: c.911C>A on transcript NM_000090.4 (MANE Select); coding-DNA position 911, C replaced by A.
Protein change: p.Ala304Asp; replaces alanine 304 with aspartic acid.
Molecular consequence: missense variant.
Genome position (GRCh38, 1-based): chr2:188,991,682, C>A. VCF-style: chr2-188991682-C-A. GRCh37 (hg19) VCF-style: chr2-189856408-C-A.
Other names: short protein forms A304D.
Identifiers: ClinVar variation 180295 (VCV000180295.3), dbSNP rs730880061, ClinGen allele CA007579.